The following is an entry in ClinVar:

NM_000535.7(PMS2):c.1144+1G>T

Gene: PMS2 (PMS1 homolog 2, mismatch repair system component; minus strand). Cytogenetic location: 7p22.1.
Variant type: single nucleotide variant.
Coding change: c.1144+1G>T on transcript NM_000535.7 (MANE Select); the canonical splice donor site of the intron after coding-DNA position 1144, G replaced by T.
Molecular consequence: splice donor variant. On other transcripts: intron variant (10).
Genome position (GRCh38, 1-based): chr7:5,989,799, C>A on the plus strand (G>T on the coding strand, the complement: PMS2 is on the minus strand). VCF-style: chr7-5989799-C-A. GRCh37 (hg19) VCF-style: chr7-6029430-C-A.
Other names: c.826+1G>T (NM_001322008.2, NM_001406883.1, NM_001406903.1 and 2 more transcripts); c.835+1G>T (NM_001406881.1, NM_001406879.1, NM_001322015.2 and 5 more transcripts); c.739+1G>T (NM_001406895.1, NM_001322004.2, NM_001406889.1 and 16 more transcripts); c.373+1G>T (NM_001406911.1); c.583+2174G>T (NM_001322010.2, NM_001406906.1, NM_001406907.1); c.670+2174G>T (NM_001406902.1, NM_001406901.1); c.631+1G>T (NM_001406904.1, NM_001406905.1); c.571+1G>T (NM_001322013.2, NM_001406909.1); and 13 more.
Identifiers: ClinVar variation 849200 (VCV000849200.10), dbSNP rs373885654, ClinGen allele CA366742715.

ClinVar aggregate classification (germline): Pathogenic/Likely pathogenic. Review status: criteria provided, multiple submitters, no conflicts (2 of 4 stars). 3 submissions from 3 submitters: Pathogenic (1); Likely pathogenic (2). Last evaluated 2023-12-21.

Conditions:
Lynch syndrome 4 (LYNCH4). Also called: Hereditary non-polyposis colorectal cancer, type 4; Colorectal cancer, hereditary nonpolyposis, type 4. Identifiers: Orphanet 144, MedGen C1838333, MONDO:0013699, OMIM 614337. Disease mechanism: loss of function.
Hereditary cancer-predisposing syndrome. Also called: Tumor predisposition; Neoplastic Syndromes, Hereditary; Hereditary neoplastic syndrome; Hereditary Cancer Syndrome. Identifiers: Orphanet 140162, MedGen C0027672, MeSH D009386, MONDO:0015356.
Hereditary nonpolyposis colorectal neoplasms. Identifiers: MedGen C0009405, MeSH D003123.

Submissions (3):

Labcorp Genetics (formerly Invitae), Labcorp
Classification: Pathogenic for Hereditary nonpolyposis colorectal neoplasms. Last evaluated: 2023-12-21. Review status: criteria provided, single submitter. Criteria: Invitae Variant Classification Sherloc (09022015). Collection method: clinical testing. Allele origin: germline.
Comment: This sequence change affects a donor splice site in intron 10 of the PMS2 gene. RNA analysis indicates that disruption of this splice site induces altered splicing and likely results in a shortened protein product. This variant is not present in population databases (gnomAD no frequency). This variant has not been reported in the literature in individuals affected with PMS2-related conditions. ClinVar contains an entry for this variant (Variation ID: 849200). Studies have shown that disruption of this splice site results in skipping of exon 10, but is expected to preserve the integrity of the reading-frame (Invitae). Other variant(s) that result in the loss of exon 10 have been determined to be pathogenic (PMID: 16472587, 18602922, 22577899, 23837913, 26318770). This suggests that this variant may also be clinically significant and likely to be disease-causing. For these reasons, this variant has been classified as Pathogenic.

Ambry Genetics
Classification: Likely pathogenic for Hereditary cancer-predisposing syndrome. Last evaluated: 2023-11-16. Review status: criteria provided, single submitter. Criteria: Ambry Variant Classification Scheme 2023. Collection method: clinical testing. Allele origin: germline.
Comment: The c.1144+1G>T intronic variant results from a G to T substitution one nucleotide after coding exon 10 of the PMS2 gene. Alterations that disrupt the canonical splice site are expected to result in aberrant splicing. In silico splice site analysis predicts that this alteration will weaken the native splice donor site; however, direct evidence is insufficient at this time (Ambry internal data). The resulting transcript is predicted to be in-frame and is not expected to trigger nonsense-mediated mRNA decay; however, direct evidence is unavailable. The exact functional effect of the altered amino acid sequence is unknown; however, the impacted region is critical for protein function and a significant portion of the protein is affected (Ambry internal data). This variant is considered to be rare based on population cohorts in the Genome Aggregation Database (gnomAD). This nucleotide position is highly conserved in available vertebrate species. Based on the majority of available evidence to date, this variant is likely to be pathogenic.

Myriad Genetics, Inc.
Classification: Likely pathogenic for Lynch syndrome 4. Last evaluated: 2023-09-20. Review status: criteria provided, single submitter. Criteria: Myriad Autosomal Dominant, Autosomal Recessive and X-Linked Classification Criteria (2023). Collection method: clinical testing. Allele origin: unknown.
Comment: This variant is considered likely pathogenic. This variant occurs within a consensus splice junction and is predicted to result in abnormal mRNA splicing of either an out-of-frame exon or an in-frame exon necessary for protein stability and/or normal function.

Literature cited by the submitters: PubMed 16472587 (cited by Labcorp Genetics (formerly Invitae), Labcorp); PubMed 18602922 (cited by Labcorp Genetics (formerly Invitae), Labcorp); PubMed 22577899 (cited by Labcorp Genetics (formerly Invitae), Labcorp); PubMed 23837913 (cited by Labcorp Genetics (formerly Invitae), Labcorp); PubMed 26318770 (cited by Labcorp Genetics (formerly Invitae), Labcorp).